The following is an entry in ClinVar:

NM_000053.4(ATP7B):c.3027C>A (p.Ile1009=)

Gene: ATP7B (ATPase copper transporting beta; minus strand). Cytogenetic location: 13q14.3.
Variant type: single nucleotide variant.
Coding change: c.3027C>A on transcript NM_000053.4 (MANE Select); coding-DNA position 3027, C replaced by A.
Protein change: p.Ile1009=; no amino-acid change (isoleucine 1009 retained).
Molecular consequence: synonymous variant. On other transcripts: intron variant (6).
Genome position (GRCh38, 1-based): chr13:51,946,317, G>T on the plus strand (C>A on the coding strand, the complement: ATP7B is on the minus strand). VCF-style: chr13-51946317-G-T. GRCh37 (hg19) VCF-style: chr13-52520453-G-T.
Other names: c.2406C>A, p.Ile802= (NM_001005918.3); c.2694C>A, p.Ile898= (NM_001243182.2); c.2793C>A, p.Ile931= (NM_001330578.2, NM_001406527.1, NM_001406528.1 and 1 more transcripts); c.2775C>A, p.Ile925= (NM_001330579.2, NM_001406531.1, NM_001406532.1); c.3027C>A, p.Ile1009= (NM_001406511.1, NM_001406512.1, NM_001406513.1 and 2 more transcripts); c.2994C>A, p.Ile998= (NM_001406514.1); c.2973C>A, p.Ile991= (NM_001406515.1, NM_001406516.1); c.2931C>A, p.Ile977= (NM_001406517.1, NM_001406518.1); and 18 more.
Identifiers: ClinVar variation 2095934 (VCV002095934.5), dbSNP rs1293758746, ClinGen allele CA483894881.

ClinVar aggregate classification (germline): Likely benign. Review status: criteria provided, multiple submitters, no conflicts (2 of 4 stars). 2 submissions from 2 submitters: Likely benign (2). Last evaluated 2024-05-14.

Conditions:
Wilson disease (WND). Also called: Wilson's disease. Identifiers: Orphanet 905, MedGen C0019202, MONDO:0010200, OMIM 277900. Disease mechanism: loss of function.

gnomAD v4.1: 4 of 1,601,936 alleles (0.00025%); highest among the groups gnomAD compares: South Asian, 0.0045%; no homozygotes.

Submissions (2):

All of Us Research Program, National Institutes of Health
Classification: Likely benign for Wilson disease. Last evaluated: 2024-05-14. Review status: criteria provided, single submitter. Criteria: ACMG Guidelines, 2015. Collection method: clinical testing. Allele origin: germline. Inheritance: Autosomal recessive inheritance. Observed: 1 variant allele, 1 heterozygote.
Comment: This study involves interpretation of variants in research participants for the purpose of population health screening. Participant phenotype was not available at the time of variant classification. Additional details can be found in publication PMID: 35346344, PMCID: PMC8962531

Labcorp Genetics (formerly Invitae), Labcorp
Classification: Likely benign for Wilson disease. Last evaluated: 2022-02-10. Review status: criteria provided, single submitter. Criteria: Invitae Variant Classification Sherloc (09022015). Collection method: clinical testing. Allele origin: germline.